The following is an entry in ClinVar:

ClinVar aggregate classification (germline): Conflicting classifications of pathogenicity. Review status: criteria provided, conflicting classifications (1 of 4 stars). 9 submissions from 9 submitters: Uncertain significance (1); Benign (2); Likely benign (3). 3 of the submissions do not count toward it. Last evaluated 2026-02-04.

Conditions:
Autosomal recessive limb-girdle muscular dystrophy type 2B (LGMDR2). Also called: MUSCULAR DYSTROPHY, LIMB-GIRDLE, TYPE 3; MUSCULAR DYSTROPHY, LIMB-GIRDLE, AUTOSOMAL RECESSIVE 2; Limb-Girdle Muscular Dystrophy Type 2B (LGMD2B); Limb-girdle muscular dystrophy, type 2B. Identifiers: Orphanet 268, MedGen C1850889, MONDO:0009676, OMIM 253601.
Neuromuscular disease caused by qualitative or quantitative defects of dysferlin. Also called: Qualitative or quantitative defects of dysferlin; Dysferlinopathy. Identifiers: Orphanet 207073, MedGen C2931687, MONDO:0016145.
DYSF-related disorder. Also called: DYSF-related condition; DYSF-related disorders.

Allele frequency attached by ClinVar (database versions not stated): ExAC 0.00094; 1000 Genomes Project 30x 0.00219; 1000 Genomes Project 0.00240; ESP Exome Variant Server 0.00046; gnomAD 0.00049 and 0.00057; TOPMed 0.00051; gnomAD exomes 0.00090.
gnomAD v4.1: 645 of 1,614,068 alleles (0.04%); highest among the groups gnomAD compares: East Asian, 1.2%; no homozygotes.

Submissions (9):

Labcorp Genetics (formerly Invitae), Labcorp
Classification: Benign for Neuromuscular disease caused by qualitative or quantitative defects of dysferlin. Last evaluated: 2026-02-04. Review status: criteria provided, single submitter. Criteria: Invitae Variant Classification Sherloc (09022015). Collection method: clinical testing. Allele origin: germline.

Blueprint Genetics
Classification: Likely benign. Last evaluated: 2024-11-14. Review status: criteria provided, single submitter. Criteria: ACMG Guidelines, 2015. Collection method: clinical testing. Allele origin: germline.

GeneDx
Classification: Benign. Last evaluated: 2019-03-26. Review status: criteria provided, single submitter. Criteria: GeneDx Variant Classification Process June 2021. Collection method: clinical testing. Allele origin: germline. Affected: yes.
Comment: This variant is associated with the following publications: (PMID: 17512949, 25868377, 32400077)

Athena Diagnostics
Classification: Likely benign. Last evaluated: 2017-12-28. Review status: criteria provided, single submitter. Criteria: Athena Diagnostics Criteria. Collection method: clinical testing. Allele origin: germline.

Illumina Laboratory Services, Illumina
Classification: Uncertain significance for Qualitative or quantitative defects of dysferlin. Last evaluated: 2017-04-28. Review status: criteria provided, single submitter. Criteria: ICSL Variant Classification Criteria 13 December 2019. Collection method: clinical testing. Allele origin: germline.

Eurofins Ntd Llc (ga)
Classification: Likely benign. Last evaluated: 2016-12-28. Review status: criteria provided, single submitter. Criteria: EGL Classification Definitions 2015. Collection method: clinical testing. Allele origin: germline. Observed: 2 variant alleles, 2 heterozygotes.

Natera, Inc.
Classification: Likely benign for Limb-girdle muscular dystrophy type 2B. Last evaluated: 2020-05-02. Review status: no assertion criteria provided. Collection method: clinical testing. Allele origin: germline. Not counted in ClinVar's aggregate classification.

PreventionGenetics, part of Exact Sciences
Classification: Likely benign for DYSF-related condition. Last evaluated: 2019-08-09. Review status: no assertion criteria provided. Collection method: clinical testing. Allele origin: germline. Not counted in ClinVar's aggregate classification.
Comment: This variant is classified as likely benign based on ACMG/AMP sequence variant interpretation guidelines (Richards et al. 2015 PMID: 25741868, with internal and published modifications).

Counsyl
Classification: Likely benign for Autosomal recessive limb-girdle muscular dystrophy type 2B. Last evaluated: 2017-11-10. Review status: no assertion criteria provided. Collection method: clinical testing. Allele origin: unknown. Not counted in ClinVar's aggregate classification.

Literature cited by the submitters: PubMed 25868377 (cited by 3 submitters).

NM_001130987.2(DYSF):c.3779G>A (p.Arg1260His)

Gene: DYSF (dysferlin; plus strand). Cytogenetic location: 2p13.2.
Variant type: single nucleotide variant.
Coding change: c.3779G>A on transcript NM_001130987.2 (MANE Select); coding-DNA position 3779, G replaced by A.
Protein change: p.Arg1260His; replaces arginine 1260 with histidine.
Molecular consequence: missense variant.
Genome position (GRCh38, 1-based): chr2:71,600,724, G>A. VCF-style: chr2-71600724-G-A. GRCh37 (hg19) VCF-style: chr2-71827854-G-A.
Other names: c.3728G>A, p.Arg1243His (NM_001130455.2, NM_001130983.2); c.3683G>A, p.Arg1228His (NM_001130976.2, NM_001130977.2); c.3725G>A, p.Arg1242His (NM_001130978.2, NM_003494.4); c.3818G>A, p.Arg1273His (NM_001130979.2); c.3776G>A, p.Arg1259His (NM_001130980.2, NM_001130981.2); c.3821G>A, p.Arg1274His (NM_001130982.2); c.3686G>A, p.Arg1229His (NM_001130984.2, NM_001130986.2); c.3779G>A, p.Arg1260His (NM_001130985.2); short protein forms R1242H, R1260H, R1229H, R1243H, R1273H, R1274H, R1259H, R1228H.
Identifiers: ClinVar variation 290657 (VCV000290657.27), dbSNP rs2303603, ClinGen allele CA1706705.
Genomic context (GRCh38, chr2:71,600,724, plus strand): 5'-AAGGGATGCTGATTCTTGTCTCTCTACGCTTGGTCTAGGGTGCAGACGAGTTTATGGGTC[G>A]CTGCATCTGTCAACCGAGTCTGGAACGGATGCCACGGCTGGCCTGGTTCCCACTGACGAG-3'
Protein context (NP_001124459.1, residues 1250-1270): DTYGADEFMG[Arg1260His]CICQPSLERM